The following is an entry in ClinVar:

NC_000023.11:g.(?_22133523)_(22133624_?)del

Gene: PHEX (phosphate regulating endopeptidase X-linked; plus strand). Cytogenetic location: Xp22.11.
Variant type: Deletion.
Identifiers: ClinVar variation 832656 (VCV000832656.1).

ClinVar aggregate classification (germline): Pathogenic (1 of 4 stars; one submission).

Submission:

Labcorp Genetics (formerly Invitae), Labcorp
Classification: Pathogenic. Last evaluated: 2019-09-13. Review status: criteria provided, single submitter. Criteria: Invitae Variant Classification Sherloc (09022015). Collection method: clinical testing. Allele origin: germline.
Comment: This variant is an in-frame deletion of the genomic region encompassing exon 12 of the PHEX gene. It preserves the integrity of the reading frame. A similar deletion of exon 12 has been reported in several individuals affected with X-linked hypophosphatemia (PMID: 9199930, 9768674, 29460029, Invitae). For these reasons, this variant has been classified as Pathogenic.

Literature cited by the submitters: PubMed 9768674; PubMed 9199930; PubMed 29460029.